The following is an entry in ClinVar:

ClinVar aggregate classification (germline): Uncertain significance (1 of 4 stars; one submission).

Conditions:
Niemann-Pick disease, type C2 (NPC2). Identifiers: Orphanet 646, MedGen C1843366, MONDO:0011873, OMIM 607625.

Allele frequency attached by ClinVar (database versions not stated): gnomAD 0.00002; TOPMed 0.00002; gnomAD exomes 0.00004.
gnomAD v4.1: 55 of 1,613,906 alleles (0.0034%); highest among the groups gnomAD compares: African/African-American, 0.0053%; no homozygotes.

Submission:

Labcorp Genetics (formerly Invitae), Labcorp
Classification: Uncertain significance for Niemann-Pick disease, type C2. Last evaluated: 2022-08-09. Review status: criteria provided, single submitter. Criteria: Invitae Variant Classification Sherloc (09022015). Collection method: clinical testing. Allele origin: germline.
Comment: This sequence change replaces valine, which is neutral and non-polar, with methionine, which is neutral and non-polar, at codon 73 of the NPC2 protein (p.Val73Met). This variant is present in population databases (rs747314957, gnomAD 0.006%). This variant has not been reported in the literature in individuals affected with NPC2-related conditions. Algorithms developed to predict the effect of missense changes on protein structure and function (SIFT, PolyPhen-2, Align-GVGD) all suggest that this variant is likely to be tolerated. In summary, the available evidence is currently insufficient to determine the role of this variant in disease. Therefore, it has been classified as a Variant of Uncertain Significance.

NM_006432.5(NPC2):c.217G>A (p.Val73Met)

Gene: NPC2 (NPC intracellular cholesterol transporter 2; minus strand). Cytogenetic location: 14q24.3.
Variant type: single nucleotide variant.
Coding change: c.217G>A on transcript NM_006432.5 (MANE Select); coding-DNA position 217, G replaced by A.
Protein change: p.Val73Met; replaces valine 73 with methionine.
Molecular consequence: missense variant.
Genome position (GRCh38, 1-based): chr14:74,484,561, C>T on the plus strand (G>A on the coding strand, the complement: NPC2 is on the minus strand). VCF-style: chr14-74484561-C-T. GRCh37 (hg19) VCF-style: chr14-74951264-C-T.
Other names: c.217G>A, p.Val73Met (NM_001363688.1, NM_001375440.1); short protein forms V73M.
Identifiers: ClinVar variation 2082236 (VCV002082236.1), dbSNP rs747314957, ClinGen allele CA263660967.
Genomic context (GRCh38, chr14:74,484,561, plus strand): 5'-AACCATCAGGCTCAGGAATGGGAAAGGGAACTGGGACGCCCATCAGGATGCCATGCACCA[C>T]GGCCTTGCTGCTTTTAGACTGAATATCTAAGAGAAAAAAAGAGAATCAGATGGCAAAGAA-3'
Protein context (NP_006423.1, residues 63-83): SNIQSKSSKA[Val73Met]VHGILMGVPV